The following is an entry in ClinVar:

NM_000441.2(SLC26A4):c.1511T>C (p.Phe504Ser)

Gene: SLC26A4 (solute carrier family 26 member 4; plus strand). Cytogenetic location: 7q22.3.
Variant type: single nucleotide variant.
Coding change: c.1511T>C on transcript NM_000441.2 (MANE Select); coding-DNA position 1511, T replaced by C.
Protein change: p.Phe504Ser; replaces phenylalanine 504 with serine.
Molecular consequence: missense variant.
Genome position (GRCh38, 1-based): chr7:107,696,006, T>C. VCF-style: chr7-107696006-T-C. GRCh37 (hg19) VCF-style: chr7-107336451-T-C.
Other names: short protein forms F504S.
Identifiers: ClinVar variation 558262 (VCV000558262.12), dbSNP rs1298350213, ClinGen allele CA368841325.
Genomic context (GRCh38, chr7:107,696,006, plus strand): 5'-TTACGTGTATAGTGTCCATCATTCTGGGGCTGGATCTCGGTTTACTAGCTGGCCTTATAT[T>C]TGGACTGTTGACTGTGGTCCTGAGAGTTCAGTTGTGAGTAACGTAAAACCCAGATTTCCT-3'
Protein context (NP_000432.1, residues 494-514): LDLGLLAGLI[Phe504Ser]GLLTVVLRVQ

ClinVar aggregate classification (germline): Conflicting classifications of pathogenicity. Review status: criteria provided, conflicting classifications (1 of 4 stars). 7 submissions from 6 submitters: Likely pathogenic (1); Uncertain significance (4). 2 of the submissions do not count toward it. Last evaluated 2026-03-31.

Conditions:
SLC26A4-related disorder. Also called: SLC26A4-related condition; SLC26A4-related disorders.
Pendred syndrome (PDS). Also called: Pendred Syndrome (PDS); Pendred's syndrome; DEAFNESS WITH GOITER; GOITER-DEAFNESS SYNDROME; HYPOTHYROIDISM, CONGENITAL, DUE TO DYSHORMONOGENESIS, 2B; THYROID DYSHORMONOGENESIS 2B. Identifiers: Orphanet 705, MedGen C0271829, MONDO:0010134, OMIM 274600.
Autosomal recessive nonsyndromic hearing loss 4 (DFNB4). Also called: FOXI1-Related Pendred Syndrome; KCNJ10-Related Pendred Syndrome; DEAFNESS, AUTOSOMAL RECESSIVE 4, WITH ENLARGED VESTIBULAR AQUEDUCT, DIGENIC; Deafness, autosomal recessive 4, with enlarged vestibular aqueduct; Deafness, autosomal recessive 4; Nonsyndromic enlarged vestibular aqueduct (NSEVA). Identifiers: Orphanet 90636, MedGen C3538946, MONDO:0010933, OMIM 600791.

Allele frequency attached by ClinVar (database versions not stated): gnomAD exomes below 0.00001; gnomAD 0.00001; TOPMed 0.00001.

Submissions (7):

GeneDx
Classification: Uncertain significance. Last evaluated: 2026-03-31. Review status: criteria provided, single submitter. Criteria: GeneDx Variant Classification Process June 2021. Collection method: clinical testing. Allele origin: germline.
Comment: Reported with a second variant (phase unknown) in a patient with features consistent with Pendred syndrome in published literature (PMID: 25394566); Not observed at significant frequency in large population cohorts (gnomAD); In silico analysis supports that this missense variant has a deleterious effect on protein structure/function; This variant is associated with the following publications: (PMID: 33199029, 25394566)

Genome-Nilou Lab
Classification: Uncertain significance for Autosomal recessive nonsyndromic hearing loss 4. Last evaluated: 2021-09-05. Review status: criteria provided, single submitter. Criteria: ACMG Guidelines, 2015. Collection method: clinical testing. Allele origin: germline. Affected: no.

Genome-Nilou Lab
Classification: Uncertain significance for Pendred syndrome. Last evaluated: 2021-09-05. Review status: criteria provided, single submitter. Criteria: ACMG Guidelines, 2015. Collection method: clinical testing. Allele origin: germline. Affected: no.

Laboratory for Molecular Medicine, Mass General Brigham Personalized Medicine
Classification: Uncertain significance. Last evaluated: 2018-02-27. Review status: criteria provided, single submitter. Criteria: LMM Criteria. Collection method: clinical testing. Allele origin: germline. Inheritance: Autosomal recessive inheritance. Observed: 1 variant allele.
Comment: Variant classified as Uncertain Significance - Favor Pathogenic. The p.Phe504Ser variant in SLC26A4 has been reported in the compound heterozygous state in one individual with clinical features of Pendred syndrome (Soh 2015) and was absent from large population studies. Computational prediction tools and conservation a nalyses suggest that this variant may impact the protein, though this informatio n is not predictive enough to determine pathogenicity. In summary, while there i s some suspicion for a pathogenic role, the clinical significance of this varian t is uncertain. ACMG/AMP Criteria applied: PM2; PM3; PP3.

Blueprint Genetics
Classification: Likely pathogenic for SLC26A4-related disorders. Last evaluated: 2017-11-14. Review status: criteria provided, single submitter. Criteria: ACMG Guidelines, 2015. Collection method: clinical testing. Allele origin: germline. Affected: yes. Observed: 1 variant allele.

Natera, Inc.
Classification: Uncertain significance for Pendred syndrome. Last evaluated: 2020-09-28. Review status: no assertion criteria provided. Collection method: clinical testing. Allele origin: germline. Not counted in ClinVar's aggregate classification.

Counsyl
Classification: Uncertain significance for Pendred syndrome. Last evaluated: 2018-05-10. Review status: no assertion criteria provided. Collection method: clinical testing. Allele origin: unknown. Not counted in ClinVar's aggregate classification.

Literature cited by the submitters: PubMed 25394566 (cited by Laboratory for Molecular Medicine, Mass General Brigham Personalized Medicine and Counsyl).